The following is an entry in ClinVar:

NM_004168.4(SDHA):c.64-62_64-6del

Gene: SDHA (succinate dehydrogenase complex flavoprotein subunit A; plus strand). Cytogenetic location: 5p15.33.
Variant type: Deletion.
Coding change: c.64-62_64-6del on transcript NM_004168.4 (MANE Select); 62 bases into the intron before coding-DNA position 64 through 6 bases into the intron before coding-DNA position 64, 57 bases deleted.
Molecular consequence: intron variant.
Genome position (GRCh38, 1-based): chr5:223,420-223,476, 57 bases deleted. GRCh37 (hg19): chr5:223,535-223,591.
Other names: c.64-62_64-6del (NM_001330758.2, NM_001294332.2).
Identifiers: ClinVar variation 4161178 (VCV004161178.1).

ClinVar aggregate classification (germline): Uncertain significance (1 of 4 stars; one submission).

Conditions:
Hereditary cancer-predisposing syndrome. Also called: Neoplastic Syndromes, Hereditary; Tumor predisposition; Hereditary Cancer Syndrome; Hereditary neoplastic syndrome. Identifiers: Orphanet 140162, MedGen C0027672, MeSH D009386, MONDO:0015356.

Submission:

Ambry Genetics
Classification: Uncertain significance for Hereditary cancer-predisposing syndrome. Last evaluated: 2025-06-26. Review status: criteria provided, single submitter. Criteria: Ambry Variant Classification Scheme 2023. Collection method: clinical testing. Allele origin: germline.
Comment: The c.64-62_64-6del57 intronic variant, located in intron 1 of the SDHA gene, results from a deletion of 57 nucleotides within intron 1 of the SDHA gene. These nucleotide positions are not well conserved in available vertebrate species. In silico splice site analysis for this alteration is inconclusive. RNA studies have demonstrated that this alteration results in a transcript predicted to lead to a protein with an in-frame deletion of 29 amino acids; however, the exact functional impact of the deleted amino acids is unknown at this time (Ambry internal data). Based on the available evidence, the clinical significance of this variant remains unclear.